The following is an entry in ClinVar:

ClinVar aggregate classification (germline): Uncertain significance (1 of 4 stars; one submission).

Allele frequency attached by ClinVar (database versions not stated): gnomAD exomes below 0.00001.
gnomAD v4.1: 1 of 1,614,032 alleles (0.000062%); highest among the groups gnomAD compares: Non-Finnish European, 0.000085%; no homozygotes.

Submission:

Labcorp Genetics (formerly Invitae), Labcorp
Classification: Uncertain significance. Last evaluated: 2021-07-02. Review status: criteria provided, single submitter. Criteria: Invitae Variant Classification Sherloc (09022015). Collection method: clinical testing. Allele origin: germline.
Comment: In summary, the available evidence is currently insufficient to determine the role of this variant in disease. Therefore, it has been classified as a Variant of Uncertain Significance. Algorithms developed to predict the effect of missense changes on protein structure and function output the following: SIFT: "Tolerated"; PolyPhen-2: "Possibly Damaging"; Align-GVGD: "Class C0". The tyrosine amino acid residue is found in multiple mammalian species, which suggests that this missense change does not adversely affect protein function. This variant has not been reported in the literature in individuals affected with ADGRV1-related conditions. This variant is not present in population databases (ExAC no frequency). This sequence change replaces phenylalanine with tyrosine at codon 5262 of the ADGRV1 protein (p.Phe5262Tyr). The phenylalanine residue is moderately conserved and there is a small physicochemical difference between phenylalanine and tyrosine.

NM_032119.4(ADGRV1):c.15785T>A (p.Phe5262Tyr)

Gene: ADGRV1 (adhesion G protein-coupled receptor V1; plus strand). Cytogenetic location: 5q14.3.
Variant type: single nucleotide variant.
Coding change: c.15785T>A on transcript NM_032119.4 (MANE Select); coding-DNA position 15785, T replaced by A.
Protein change: p.Phe5262Tyr; replaces phenylalanine 5262 with tyrosine.
Molecular consequence: missense variant. On other transcripts: non-coding transcript variant (1).
Genome position (GRCh38, 1-based): chr5:90,811,045, T>A. VCF-style: chr5-90811045-T-A. GRCh37 (hg19) VCF-style: chr5-90106862-T-A.
Other names: short protein forms F5262Y.
Identifiers: ClinVar variation 1365338 (VCV001365338.8), dbSNP rs1561782766, ClinGen allele CA360410890.
Genomic context (GRCh38, chr5:90,811,045, plus strand): 5'-AAGTTCTTATCCGAAGAACTGGTGGGTTTACTGGCAATGTCAGCATAACAGTTAAAACTT[T>A]CGGTGAAAGATGTGCTCAGATGGAACCAAATGCATTGCCCTTTCGTGGTATCTATGGGAT-3'
Protein context (NP_115495.3, residues 5252-5272): TGNVSITVKT[Phe5262Tyr]GERCAQMEPN